The following is an entry in ClinVar:

ClinVar aggregate classification (germline): Uncertain significance. Review status: criteria provided, multiple submitters, no conflicts (2 of 4 stars). 3 submissions from 3 submitters: Uncertain significance (3). Last evaluated 2026-09-19.

Conditions:
Inborn genetic diseases. Identifiers: MedGen C0950123, MeSH D030342.
PKD1-related disorder. Also called: PKD1-related condition.

gnomAD v4.1: 11 of 1,601,360 alleles (0.00069%); highest among the groups gnomAD compares: African/African-American, 0.0014%; no homozygotes.

Submissions (3):

PreventionGenetics, part of Exact Sciences
Classification: Uncertain significance for PKD1-related condition. Last evaluated: 2026-09-19. Review status: criteria provided, single submitter. Criteria: ACMG Guidelines, 2015. Collection method: clinical testing. Allele origin: germline.
Comment: The PKD1 c.8080A>G variant is predicted to result in the amino acid substitution p.Met2694Val. To our knowledge, this variant has not been reported in the literature or in a large population database (gnomAD), indicating this variant is rare. At this time, the clinical significance of this variant is uncertain due to the absence of conclusive functional and genetic evidence.

Ambry Genetics
Classification: Uncertain significance for Inborn genetic diseases. Last evaluated: 2024-10-01. Review status: criteria provided, single submitter. Criteria: Ambry Variant Classification Scheme 2023. Collection method: clinical testing. Allele origin: germline.

Blueprint Genetics
Classification: Uncertain significance. Last evaluated: 2023-09-25. Review status: criteria provided, single submitter. Criteria: ACMG Guidelines, 2015. Collection method: clinical testing. Allele origin: germline.

NM_001009944.3(PKD1):c.8080A>G (p.Met2694Val)

Gene: PKD1 (polycystin 1, transient receptor potential channel interacting; minus strand). Cytogenetic location: 16p13.3.
Variant type: single nucleotide variant.
Coding change: c.8080A>G on transcript NM_001009944.3 (MANE Select); coding-DNA position 8080, A replaced by G.
Protein change: p.Met2694Val; replaces methionine 2694 with valine.
Molecular consequence: missense variant.
Genome position (GRCh38, 1-based): chr16:2,104,579, T>C on the plus strand (A>G on the coding strand, the complement: PKD1 is on the minus strand). VCF-style: chr16-2104579-T-C. GRCh37 (hg19) VCF-style: chr16-2154580-T-C.
Other names: c.8080A>G, p.Met2694Val (NM_000296.4); short protein forms M2694V.
Identifiers: ClinVar variation 3419004 (VCV003419004.3).